The following is an entry in ClinVar:

NM_006922.4(SCN3A):c.4738C>T (p.Leu1580Phe)

Gene: SCN3A (sodium voltage-gated channel alpha subunit 3; minus strand). Cytogenetic location: 2q24.3.
Variant type: single nucleotide variant.
Coding change: c.4738C>T on transcript NM_006922.4 (MANE Select); coding-DNA position 4738, C replaced by T.
Protein change: p.Leu1580Phe; replaces leucine 1580 with phenylalanine.
Molecular consequence: missense variant.
Genome position (GRCh38, 1-based): chr2:165,092,323, G>A on the plus strand (C>T on the coding strand, the complement: SCN3A is on the minus strand). VCF-style: chr2-165092323-G-A. GRCh37 (hg19) VCF-style: chr2-165948833-G-A.
Other names: c.4591C>T, p.Leu1531Phe (NM_001081676.2, NM_001081677.2); short protein forms L1531F, L1580F.
Identifiers: ClinVar variation 3438219 (VCV003438219.3).

ClinVar aggregate classification (germline): Uncertain significance. Review status: criteria provided, multiple submitters, no conflicts (2 of 4 stars). 2 submissions from 2 submitters: Uncertain significance (2). Last evaluated 2024-10-07.

Conditions:
Inborn genetic diseases. Identifiers: MedGen C0950123, MeSH D030342.

Submissions (2):

Ambry Genetics
Classification: Uncertain significance for Inborn genetic diseases. Last evaluated: 2024-10-07. Review status: criteria provided, single submitter. Criteria: Ambry Variant Classification Scheme 2023. Collection method: clinical testing. Allele origin: germline.
Comment: The c.4738C>T (p.L1580F) alteration is located in exon 27 (coding exon 25) of the SCN3A gene. This alteration results from a C to T substitution at nucleotide position 4738, causing the leucine (L) at amino acid position 1580 to be replaced by a phenylalanine (F). This variant was not reported in population-based cohorts in the Genome Aggregation Database (gnomAD). This amino acid position is highly conserved in available vertebrate species. This alteration is predicted to be deleterious by in silico analysis. Based on insufficient or conflicting evidence, the clinical significance of this alteration remains unclear.

Labcorp Genetics (formerly Invitae), Labcorp
Classification: Uncertain significance. Last evaluated: 2024-02-16. Review status: criteria provided, single submitter. Criteria: Invitae Variant Classification Sherloc (09022015). Collection method: clinical testing. Allele origin: germline.
Comment: This sequence change replaces leucine, which is neutral and non-polar, with phenylalanine, which is neutral and non-polar, at codon 1580 of the SCN3A protein (p.Leu1580Phe). This variant is not present in population databases (gnomAD no frequency). This variant has not been reported in the literature in individuals affected with SCN3A-related conditions. Advanced modeling of protein sequence and biophysical properties (such as structural, functional, and spatial information, amino acid conservation, physicochemical variation, residue mobility, and thermodynamic stability) has been performed at Invitae for this missense variant, however the output from this modeling did not meet the statistical confidence thresholds required to predict the impact of this variant on SCN3A protein function. In summary, the available evidence is currently insufficient to determine the role of this variant in disease. Therefore, it has been classified as a Variant of Uncertain Significance.